The following is an entry in ClinVar:

ClinVar aggregate classification (germline): Benign. Review status: criteria provided, multiple submitters, no conflicts (2 of 4 stars). 3 submissions from 3 submitters: Benign (3). Last evaluated 2023-11-22.

Conditions:
Distal arthrogryposis type 2B1 (DA2B1). Also called: Arthrogryposis multiplex congenita distal type II with craniofacial abnormalities. Identifiers: Orphanet 1147, MedGen C5193014, MONDO:0020820, OMIM 601680.

Allele frequency attached by ClinVar (database versions not stated): 1000 Genomes Project 30x 0.01374; gnomAD 0.01558; TOPMed 0.01647; gnomAD exomes 0.00139; 1000 Genomes Project 0.01338; ESP Exome Variant Server 0.01567.
gnomAD v4.1: 4,350 of 1,610,828 alleles (0.27%); highest among the groups gnomAD compares: African/African-American, 5%; 122 homozygotes.

Submissions (3):

ARUP Laboratories, Molecular Genetics and Genomics, ARUP Laboratories
Classification: Benign for Distal arthrogryposis type 2B1. Last evaluated: 2023-11-22. Review status: criteria provided, single submitter. Criteria: ARUP Molecular Germline Variant Investigation Process 2024. Collection method: clinical testing. Allele origin: germline.

GeneDx
Classification: Benign. Last evaluated: 2016-07-28. Review status: criteria provided, single submitter. Criteria: GeneDx Variant Classification (06012015). Collection method: clinical testing. Allele origin: germline. Affected: yes.
Comment: This variant is considered likely benign or benign based on one or more of the following criteria: it is a conservative change, it occurs at a poorly conserved position in the protein, it is predicted to be benign by multiple in silico algorithms, and/or has population frequency not consistent with disease.

PreventionGenetics, part of Exact Sciences
Classification: Benign. Review status: criteria provided, single submitter. Criteria: ACMG Guidelines, 2015. Collection method: clinical testing. Allele origin: germline.

NM_003282.4(TNNI2):c.277-17G>A

Gene: TNNI2 (troponin I2, fast skeletal type; plus strand). Cytogenetic location: 11p15.5.
Variant type: single nucleotide variant.
Coding change: c.277-17G>A on transcript NM_003282.4 (MANE Select); 17 bases into the intron before coding-DNA position 277, G replaced by A.
Molecular consequence: intron variant.
Genome position (GRCh38, 1-based): chr11:1,841,014, G>A. VCF-style: chr11-1841014-G-A. GRCh37 (hg19) VCF-style: chr11-1862244-G-A.
Other names: c.277-17G>A (NM_001145829.2, NM_001145841.2).
Identifiers: ClinVar variation 259025 (VCV000259025.6), dbSNP rs112517111, ClinGen allele CA5815223.